The following is an entry in ClinVar:

NM_001943.5(DSG2):c.2104G>A (p.Ala702Thr)

Genes: DSG2 (desmoglein 2; plus strand), DSG2-AS1 (DSG2 antisense RNA 1; minus strand). Cytogenetic location: 18q12.1.
Variant type: single nucleotide variant.
Coding change: c.2104G>A on transcript NM_001943.5 (MANE Select); coding-DNA position 2104, G replaced by A.
Protein change: p.Ala702Thr; replaces alanine 702 with threonine.
Molecular consequence: missense variant.
Genome position (GRCh38, 1-based): chr18:31,542,622, G>A. VCF-style: chr18-31542622-G-A. GRCh37 (hg19) VCF-style: chr18-29122585-G-A.
Other names: short protein forms A702T.
Identifiers: ClinVar variation 1383059 (VCV001383059.7), dbSNP rs2144353139, ClinGen allele CA402141720.

ClinVar aggregate classification (germline): Uncertain significance. Review status: criteria provided, multiple submitters, no conflicts (2 of 4 stars). 2 submissions from 2 submitters: Uncertain significance (2). Last evaluated 2023-10-06.

Conditions:
Arrhythmogenic right ventricular cardiomyopathy (ARVD). Also called: Cardiomyopathy, ARVC; Arrhythmogenic right ventricular dysplasia; Arrhythmogenic Right Ventricular Cardiomyopathy (ARVC); Arrhythmogenic cardiomyopathy. Identifiers: Orphanet 247, MedGen C0349788, MeSH D019571, MONDO:0016587. Disease mechanism: loss of function. Inheritance: Various modes of inheritance.
Arrhythmogenic right ventricular dysplasia 10. Also called: Arrhythmogenic right ventricular dysplasia/cardiomyopathy, type 10; Arrhythmogenic Right Ventricular Dysplasia/Cardiomyopathy10; ARRHYTHMOGENIC RIGHT VENTRICULAR DYSPLASIA, FAMILIAL, 10. Identifiers: MedGen C1857777, MONDO:0012434, OMIM 610193.

gnomAD v4.1: 1 of 1,614,138 alleles (0.000062%); no homozygotes.

Submissions (2):

All of Us Research Program, National Institutes of Health
Classification: Uncertain significance for Arrhythmogenic right ventricular cardiomyopathy. Last evaluated: 2023-10-06. Review status: criteria provided, single submitter. Criteria: ACMG Guidelines, 2015. Collection method: clinical testing. Allele origin: germline. Inheritance: Autosomal dominant inheritance. Observed: 1 variant allele, 1 heterozygote.
Comment: This missense variant replaces alanine with threonine at codon 702 of the DSG2 protein. Computational prediction suggests that this variant may not impact protein structure and function (internally defined REVEL score threshold <= 0.5, PMID: 27666373). To our knowledge, functional studies have not been reported for this variant. This variant has not been reported in individuals affected with DSG2-related disorders in the literature. This variant has not been identified in the general population by the Genome Aggregation Database (gnomAD). The available evidence is insufficient to determine the role of this variant in disease conclusively. Therefore, this variant is classified as a Variant of Uncertain Significance.

This study involves interpretation of variants in research participants for the purpose of population health screening. Participant phenotype was not available at the time of variant classification. Additional details can be found in publication PMID: 35346344, PMCID: PMC8962531

Labcorp Genetics (formerly Invitae), Labcorp
Classification: Uncertain significance for Arrhythmogenic right ventricular dysplasia 10. Last evaluated: 2021-09-21. Review status: criteria provided, single submitter. Criteria: Invitae Variant Classification Sherloc (09022015). Collection method: clinical testing. Allele origin: germline.
Comment: In summary, the available evidence is currently insufficient to determine the role of this variant in disease. Therefore, it has been classified as a Variant of Uncertain Significance. Algorithms developed to predict the effect of missense changes on protein structure and function output the following: SIFT: "Tolerated"; PolyPhen-2: "Benign"; Align-GVGD: "Class C0". The threonine amino acid residue is found in multiple mammalian species, which suggests that this missense change does not adversely affect protein function. This variant has not been reported in the literature in individuals affected with DSG2-related conditions. This variant is not present in population databases (ExAC no frequency). This sequence change replaces alanine with threonine at codon 702 of the DSG2 protein (p.Ala702Thr). The alanine residue is moderately conserved and there is a small physicochemical difference between alanine and threonine.